The following is an entry in ClinVar:

ClinVar aggregate classification (germline): Pathogenic/Likely pathogenic. Review status: criteria provided, multiple submitters, no conflicts (2 of 4 stars). 6 submissions from 6 submitters: Pathogenic (3); Likely pathogenic (2). 1 of the submissions does not count toward it. Last evaluated 2026-01-13.

Conditions:
Glycine encephalopathy 1 (GCE1). Identifiers: MedGen CN376801, MONDO:0958179, OMIM 605899.
Glycine encephalopathy. Also called: Nonketotic hyperglycinemia; Non-ketotic hyperglycinemia. Identifiers: Orphanet 407, MedGen C0751748, MONDO:0011612, HP:0008288.
Glycine encephalopathy 2 (GCE2). Identifiers: MedGen C5830559, MONDO:0958192, OMIM 620398.

Allele frequency attached by ClinVar (database versions not stated): gnomAD exomes 0.00004 and 0.00002; ExAC 0.00001; TOPMed 0.00001.
gnomAD v4.1: 31 of 1,614,116 alleles (0.0019%); highest among the groups gnomAD compares: Admixed American, 0.01%; no homozygotes.

Submissions (6):

Labcorp Genetics (formerly Invitae), Labcorp
Classification: Pathogenic for Glycine encephalopathy. Last evaluated: 2026-01-13. Review status: criteria provided, single submitter. Criteria: Invitae Variant Classification Sherloc (09022015). Collection method: clinical testing. Allele origin: germline.
Comment: This sequence change replaces arginine, which is basic and polar, with tryptophan, which is neutral and slightly polar, at codon 94 of the AMT protein (p.Arg94Trp). This variant is present in population databases (rs1126422, gnomAD 0.009%). This missense change has been observed in individual(s) with non-ketotic hyperglycinemia (PMID: 26179960, 27362913, 28244183). In at least one individual the data is consistent with being in trans (on the opposite chromosome) from a pathogenic variant. ClinVar contains an entry for this variant (Variation ID: 557814). Invitae Evidence Modeling of protein sequence and biophysical properties (such as structural, functional, and spatial information, amino acid conservation, physicochemical variation, residue mobility, and thermodynamic stability) indicates that this missense variant is expected to disrupt AMT protein function with a positive predictive value of 95%. For these reasons, this variant has been classified as Pathogenic.

Genomic Medicine Center of Excellence, King Faisal Specialist Hospital and Research Centre
Classification: Pathogenic for Glycine encephalopathy 2. Last evaluated: 2025-09-10. Review status: criteria provided, single submitter. Criteria: ACMG Guidelines, 2015. Collection method: clinical testing. Allele origin: germline.

Natera, Inc.
Classification: Likely pathogenic for Non-ketotic hyperglycinemia. Last evaluated: 2025-08-18. Review status: criteria provided, single submitter. Criteria: Natera Variant Classification Schema (03/2026). Collection method: clinical testing. Allele origin: germline.
Comment: The c.280C>T variant in AMT is a missense variant predicted to cause substitution of arginine to tryptophan at amino acid 94. This variant is rare in the general population with a frequency below the threshold expected for the associated phenotype(s). This variant has been observed in one or more individuals affected with the associated recessive disease, as either homozygous or compound heterozygous with a second variant (PMID: 27362913). Computational prediction algorithms indicate this variant is likely to affect gene or protein function. Given the available evidence, this variant is classified as Likely Pathogenic.

Genome-Nilou Lab
Classification: Likely pathogenic for Glycine encephalopathy 1. Last evaluated: 2021-07-22. Review status: criteria provided, single submitter. Criteria: ACMG Guidelines, 2015. Collection method: clinical testing. Allele origin: germline. Affected: no.

Baylor Genetics
Classification: Pathogenic for Glycine encephalopathy 1. Last evaluated: 2020-05-15. Review status: criteria provided, single submitter. Criteria: ACMG Guidelines, 2015. Collection method: clinical testing. Allele origin: unknown. Affected: yes.
Comment: This variant was determined to be pathogenic according to ACMG Guidelines, 2015 [PMID:25741868].

Counsyl
Classification: Likely pathogenic for Glycine encephalopathy 1. Last evaluated: 2018-04-07. Review status: no assertion criteria provided. Collection method: clinical testing. Allele origin: unknown. Not counted in ClinVar's aggregate classification.

Literature cited by the submitters: PubMed 26179960 (cited by Labcorp Genetics (formerly Invitae), Labcorp and Counsyl); PubMed 27362913 (cited by 3 submitters); PubMed 28244183 (cited by Labcorp Genetics (formerly Invitae), Labcorp and Counsyl); PubMed 15272469 (cited by Counsyl).

NM_000481.4(AMT):c.280C>T (p.Arg94Trp)

Gene: AMT (aminomethyltransferase; minus strand). Cytogenetic location: 3p21.31.
Variant type: single nucleotide variant.
Coding change: c.280C>T on transcript NM_000481.4 (MANE Select); coding-DNA position 280, C replaced by T.
Protein change: p.Arg94Trp; replaces arginine 94 with tryptophan.
Molecular consequence: missense variant. On other transcripts: non-coding transcript variant (1).
Genome position (GRCh38, 1-based): chr3:49,421,551, G>A on the plus strand (C>T on the coding strand, the complement: AMT is on the minus strand). VCF-style: chr3-49421551-G-A. GRCh37 (hg19) VCF-style: chr3-49458984-G-A.
Other names: c.280C>T, p.Arg94Trp (NM_001164710.2, NM_001164712.2); c.112C>T, p.Arg38Trp (NM_001164711.2); c.280C>T (NM_001164712.1); short protein forms R94W, R38W.
Identifiers: ClinVar variation 557814 (VCV000557814.18), dbSNP rs1126422, ClinGen allele CA2398415.
Genomic context (GRCh38, chr3:49,421,551, plus strand): 5'-CCTGGTTTGGTCTTAGCTCTGCAATGTCTCCAACCACTAGACTCTCCATCAGCTTCACCC[G>A]GTCACTACCAAGTATCTTGGTCTGGGGAAGAGATTGAAAGCCTCAGGCCATTGCAACAGC-3'
Protein context (NP_000472.2, residues 84-104): MLQTKILGSD[Arg94Trp]VKLMESLVVG